The following is an entry in ClinVar:

NM_006767.4(LZTR1):c.1261-3C>A

Gene: LZTR1 (leucine zipper like post translational regulator 1; plus strand). Cytogenetic location: 22q11.21.
Variant type: single nucleotide variant.
Coding change: c.1261-3C>A on transcript NM_006767.4 (MANE Select); 3 bases into the intron before coding-DNA position 1261, C replaced by A.
Molecular consequence: intron variant.
Genome position (GRCh38, 1-based): chr22:20,993,659, C>A. VCF-style: chr22-20993659-C-A. GRCh37 (hg19) VCF-style: chr22-21347948-C-A.
Other names: c.1261-3C>A (NM_006767.3).
Identifiers: ClinVar variation 2889841 (VCV002889841.5), dbSNP rs770882185, ClinGen allele CA2577656181.

ClinVar aggregate classification (germline): Uncertain significance. Review status: criteria provided, multiple submitters, no conflicts (2 of 4 stars). 2 submissions from 2 submitters: Uncertain significance (2). Last evaluated 2026-04-24.

Conditions:
Hereditary cancer-predisposing syndrome. Also called: Neoplastic Syndromes, Hereditary; Tumor predisposition; Hereditary neoplastic syndrome; Hereditary Cancer Syndrome. Identifiers: Orphanet 140162, MedGen C0027672, MeSH D009386, MONDO:0015356.
Cardiovascular phenotype. Identifiers: MedGen CN230736.

gnomAD v4.1: 1 of 1,612,512 alleles (0.000062%); no homozygotes.

Submissions (3):

Ambry Genetics
Classification: Uncertain significance for Cardiovascular phenotype; Hereditary cancer-predisposing syndrome. Last evaluated: 2026-04-24. Review status: criteria provided, single submitter. Criteria: Ambry Variant Classification Scheme 2023. Collection method: clinical testing. Allele origin: germline.
Comment: The c.1261-3C>A intronic variant results from a C to A substitution 3 nucleotides upstream from coding exon 12 in the LZTR1 gene. This variant was reported in individual(s) with features consistent with LZTR1-related schwannomatosis. This nucleotide position is well conserved in available vertebrate species. In silico splice site analysis predicts that this alteration will result in the creation or strengthening of a novel splice acceptor site. RNA studies have demonstrated that this variant results in a splice defect; the clinical impact of this abnormal splicing is unknown at this time (Ambry internal data). Based on the available evidence, the clinical significance of this variant remains unclear.

Labcorp Genetics (formerly Invitae), Labcorp
Classification: Uncertain significance. Last evaluated: 2025-03-27. Review status: criteria provided, single submitter. Criteria: Invitae Variant Classification Sherloc (09022015). Collection method: clinical testing. Allele origin: germline.
Comment: This sequence change falls in intron 11 of the LZTR1 gene. It does not directly change the encoded amino acid sequence of the LZTR1 protein. It affects a nucleotide within the consensus splice site. This variant is not present in population databases (gnomAD no frequency). This variant has not been reported in the literature in individuals affected with LZTR1-related conditions. ClinVar contains an entry for this variant (Variation ID: 2889841). Variants that disrupt the consensus splice site are a relatively common cause of aberrant splicing (PMID: 17576681, 9536098). Algorithms developed to predict the effect of sequence changes on RNA splicing suggest that this variant may disrupt the consensus splice site. In summary, the available evidence is currently insufficient to determine the role of this variant in disease. Therefore, it has been classified as a Variant of Uncertain Significance.

Dr. Peter K. Rogan Lab, Western University
No classification provided (evidence only). Condition: Cervical cancer. Review status: no classification provided. Collection method: in vitro. Allele origin: not applicable. Functional consequence: retained intron. Not counted in ClinVar's aggregate classification.

Literature cited by the submitters: PubMed 17576681 (cited by Labcorp Genetics (formerly Invitae), Labcorp); PubMed 9536098 (cited by Labcorp Genetics (formerly Invitae), Labcorp).